The following is an entry in ClinVar:

ClinVar aggregate classification (germline): Uncertain significance (1 of 4 stars; one submission).

Allele frequency attached by ClinVar (database versions not stated): gnomAD 0.00001; gnomAD exomes below 0.00001; ExAC 0.00001; TOPMed 0.00002.
gnomAD v4.1: 4 of 1,613,790 alleles (0.00025%); highest among the groups gnomAD compares: African/African-American, 0.0013%; no homozygotes.

Submission:

Labcorp Genetics (formerly Invitae), Labcorp
Classification: Uncertain significance. Last evaluated: 2026-01-05. Review status: criteria provided, single submitter. Criteria: Invitae Variant Classification Sherloc (09022015). Collection method: clinical testing. Allele origin: germline.
Comment: This sequence change replaces serine, which is neutral and polar, with arginine, which is basic and polar, at codon 209 of the TGFB1 protein (p.Ser209Arg). The frequency data for this variant in the population databases is considered unreliable, as metrics indicate poor data quality at this position in the gnomAD database. This variant has not been reported in the literature in individuals affected with TGFB1-related conditions. ClinVar contains an entry for this variant (Variation ID: 1439642). Invitae Evidence Modeling of protein sequence and biophysical properties (such as structural, functional, and spatial information, amino acid conservation, physicochemical variation, residue mobility, and thermodynamic stability) indicates that this missense variant is not expected to disrupt TGFB1 protein function with a negative predictive value of 80%. In summary, the available evidence is currently insufficient to determine the role of this variant in disease. Therefore, it has been classified as a Variant of Uncertain Significance.

NM_000660.7(TGFB1):c.625A>C (p.Ser209Arg)

Gene: TGFB1 (transforming growth factor beta 1; minus strand). Cytogenetic location: 19q13.2.
Variant type: single nucleotide variant.
Coding change: c.625A>C on transcript NM_000660.7 (MANE Select); coding-DNA position 625, A replaced by C.
Protein change: p.Ser209Arg; replaces serine 209 with arginine.
Molecular consequence: missense variant.
Genome position (GRCh38, 1-based): chr19:41,344,756, T>G on the plus strand (A>C on the coding strand, the complement: TGFB1 is on the minus strand). VCF-style: chr19-41344756-T-G. GRCh37 (hg19) VCF-style: chr19-41850661-T-G.
Other names: short protein forms S209R.
Identifiers: ClinVar variation 1439642 (VCV001439642.6), dbSNP rs746228911, ClinGen allele CA9460052.